The following is an entry in ClinVar:

NM_001197104.2(KMT2A):c.8734A>G (p.Ser2912Gly)

Gene: KMT2A (lysine methyltransferase 2A; plus strand). Cytogenetic location: 11q23.3.
Variant type: single nucleotide variant.
Coding change: c.8734A>G on transcript NM_001197104.2 (MANE Select); coding-DNA position 8734, A replaced by G.
Protein change: p.Ser2912Gly; replaces serine 2912 with glycine.
Molecular consequence: missense variant.
Genome position (GRCh38, 1-based): chr11:118,504,626, A>G. VCF-style: chr11-118504626-A-G. GRCh37 (hg19) VCF-style: chr11-118375341-A-G.
Other names: c.8725A>G, p.Ser2909Gly (NM_005933.4); c.8734A>G (NM_001197104.1); short protein forms S2912G, S2909G.
Identifiers: ClinVar variation 1402370 (VCV001402370.10), dbSNP rs1438916425, ClinGen allele CA382815817.

ClinVar aggregate classification (germline): Uncertain significance. Review status: criteria provided, multiple submitters, no conflicts (2 of 4 stars). 2 submissions from 2 submitters: Uncertain significance (2). Last evaluated 2025-07-08.

Conditions:
Inborn genetic diseases. Identifiers: MedGen C0950123, MeSH D030342.

Allele frequency attached by ClinVar (database versions not stated): gnomAD exomes below 0.00001; gnomAD 0.00001; TOPMed 0.00001.
gnomAD v4.1: 2 of 1,614,040 alleles (0.00012%); highest among the groups gnomAD compares: Admixed American, 0.0017%; no homozygotes.

Submissions (2):

Ambry Genetics
Classification: Uncertain significance for Inborn genetic diseases. Last evaluated: 2025-07-08. Review status: criteria provided, single submitter. Criteria: Ambry Variant Classification Scheme 2023. Collection method: clinical testing. Allele origin: germline.

Labcorp Genetics (formerly Invitae), Labcorp
Classification: Uncertain significance. Last evaluated: 2025-02-18. Review status: criteria provided, single submitter. Criteria: Invitae Variant Classification Sherloc (09022015). Collection method: clinical testing. Allele origin: germline.
Comment: This sequence change replaces serine, which is neutral and polar, with glycine, which is neutral and non-polar, at codon 2912 of the KMT2A protein (p.Ser2912Gly). This variant is not present in population databases (gnomAD no frequency). This variant has not been reported in the literature in individuals affected with KMT2A-related conditions. ClinVar contains an entry for this variant (Variation ID: 1402370). Invitae Evidence Modeling of protein sequence and biophysical properties (such as structural, functional, and spatial information, amino acid conservation, physicochemical variation, residue mobility, and thermodynamic stability) indicates that this missense variant is not expected to disrupt KMT2A protein function with a negative predictive value of 95%. In summary, the available evidence is currently insufficient to determine the role of this variant in disease. Therefore, it has been classified as a Variant of Uncertain Significance.